The following is an entry in ClinVar:

ClinVar aggregate classification (germline): Pathogenic/Likely pathogenic. Review status: criteria provided, multiple submitters, no conflicts (2 of 4 stars). 7 submissions from 7 submitters: Pathogenic (5); Likely pathogenic (1). 1 of the submissions does not count toward it. Last evaluated 2025-09-22.

Conditions:
CFTR-related disorder (CFTR-RD). Also called: CFTR-related condition; CFTR-related disorders. Identifiers: MedGen C5924204, MONDO:7770004.
Bronchiectasis with or without elevated sweat chloride 1 (BESC1). Also called: Cystic Fibrosis-Like Syndrome. Identifiers: Orphanet 60033, MedGen C2749757, MONDO:0008887, OMIM 211400.
Cystic fibrosis (CF). Also called: MUCOVISCIDOSIS. Identifiers: Orphanet 586, MedGen C0010674, MONDO:0009061, OMIM 219700. Disease mechanism: loss of function.

Submissions (7):

Natera, Inc.
Classification: Pathogenic for CFTR-related disorders. Last evaluated: 2025-09-22. Review status: criteria provided, single submitter. Criteria: Natera Variant Classification Schema (03/2026). Collection method: clinical testing. Allele origin: germline.
Comment: The c.274-1G>C variant in CFTR is a canonical splice acceptor site variant predicted to affect pre-mRNA splicing, which may result in an abnormal transcript and altered protein product. This variant is expected to result in nonsense mediated decay, truncation, or a dysfunctional protein product. This variant is rare in the general population with a frequency below the threshold expected for the associated phenotype(s). This variant has been observed in one or more individuals affected with the associated recessive disease, as either homozygous or compound heterozygous with a second variant (PMID: 36003331). Another variant at this same site results in an alteration predicted to cause a similar molecular effect has been observed in individual(s) with the associated phenotype. Given the available evidence, this variant is classified as Pathogenic.

Women's Health and Genetics/Laboratory Corporation of America, LabCorp
Classification: Likely pathogenic for Cystic fibrosis. Last evaluated: 2024-07-25. Review status: criteria provided, single submitter. Criteria: LabCorp Variant Classification Summary - May 2015. Collection method: clinical testing. Allele origin: germline.
Comment: Variant summary: CFTR c.274-1G>C, also reported as c.406-1G>C, is located in a canonical splice-site and is predicted to affect mRNA splicing resulting in a significantly altered protein due to either exon skipping, shortening, or inclusion of intronic material. Variants that disrupt the consensus splice site are a relatively common cause of aberrant splicing and loss of CFTR function. Several computational tools predict a significant impact on normal splicing: Four predict the variant abolishes a 3' acceptor site. Three predict the variant creates a 3' acceptor site. However, these predictions have yet to be confirmed by functional studies. The variant was absent in 250598 control chromosomes. c.274-1G>C has been reported in the literature in the presumed compound heterozygous and homozygous states in multiple individuals affected with Cystic Fibrosis (example, Chau_2022, Duursma_2022). These data indicate that the variant may be associated with disease. To our knowledge, no experimental evidence demonstrating an impact on protein function has been reported. The following publications have been ascertained in the context of this evaluation (PMID: 1284541, 36003331, 35697137, 28736296). ClinVar contains an entry for this variant (Variation ID: 53554). Based on the evidence outlined above, the variant was classified as likely pathogenic.

Baylor Genetics
Classification: Pathogenic for Bronchiectasis with or without elevated sweat chloride 1. Last evaluated: 2023-11-13. Review status: criteria provided, single submitter. Criteria: ACMG Guidelines, 2015. Collection method: clinical testing. Allele origin: unknown.

Labcorp Genetics (formerly Invitae), Labcorp
Classification: Pathogenic for Cystic fibrosis. Last evaluated: 2023-02-19. Review status: criteria provided, single submitter. Criteria: Invitae Variant Classification Sherloc (09022015). Collection method: clinical testing. Allele origin: germline.
Comment: Algorithms developed to predict the effect of sequence changes on RNA splicing suggest that this variant may disrupt the consensus splice site. ClinVar contains an entry for this variant (Variation ID: 53554). This variant is also known as 406-1G>C. Disruption of this splice site has been observed in individual(s) with cystic fibrosis (PMID: 1284541, 15365999). This variant is not present in population databases (gnomAD no frequency). This sequence change affects an acceptor splice site in intron 3 of the CFTR gene. It is expected to disrupt RNA splicing. Variants that disrupt the donor or acceptor splice site typically lead to a loss of protein function (PMID: 16199547), and loss-of-function variants in CFTR are known to be pathogenic (PMID: 1695717, 7691345, 9725922). For these reasons, this variant has been classified as Pathogenic.

CFTR-France
Classification: Pathogenic for cystic fibrosis. Last evaluated: 2018-01-29. Review status: criteria provided, single submitter. Criteria: Claustres M et al. (Hum Mutat 2017). Collection method: curation. Allele origin: germline. Affected: yes.

Neuberg Centre For Genomic Medicine, NCGM
Classification: Pathogenic for Cystic fibrosis. Review status: criteria provided, single submitter. Criteria: ACMG Guidelines, 2015. Collection method: clinical testing. Allele origin: germline. Affected: yes.
Comment: The splice acceptor variant c.274-1G>C in CFTR (NM_000492.4) has been previously reported in an affected patient (Claustres M et al). The variant has been submitted to ClinVar as Pathogenic. The c.274-1G>C variant is novel (not in any individuals) in gnomAD Exomes and is novel (not in any individuals) in 1000 Genomes. This variant affects an invariant splice nucleotide and hence is predicted to cause loss of function. For these reasons, this variant has been classified as Pathogenic.

Counsyl
Classification: Likely pathogenic for Cystic fibrosis. Last evaluated: 2016-12-22. Review status: no assertion criteria provided. Collection method: clinical testing. Allele origin: unknown. Not counted in ClinVar's aggregate classification.

Literature cited by the submitters: PubMed 36003331 (cited by Natera, Inc. and Women's Health and Genetics/Laboratory Corporation of America, LabCorp); PubMed 28736296 (cited by Women's Health and Genetics/Laboratory Corporation of America, LabCorp); PubMed 1284541 (cited by 3 submitters); PubMed 35697137 (cited by Women's Health and Genetics/Laboratory Corporation of America, LabCorp); PubMed 15365999 (cited by Labcorp Genetics (formerly Invitae), Labcorp); PubMed 16199547 (cited by Labcorp Genetics (formerly Invitae), Labcorp); PubMed 1695717 (cited by Labcorp Genetics (formerly Invitae), Labcorp); PubMed 7691345 (cited by Labcorp Genetics (formerly Invitae), Labcorp); PubMed 9725922 (cited by Labcorp Genetics (formerly Invitae), Labcorp).

NM_000492.4(CFTR):c.274-1G>C

Gene: CFTR (CF transmembrane conductance regulator; plus strand). Cytogenetic location: 7q31.2.
Variant type: single nucleotide variant.
Coding change: c.274-1G>C on transcript NM_000492.4 (MANE Select); the canonical splice acceptor site of the intron before coding-DNA position 274, G replaced by C.
Molecular consequence: splice acceptor variant.
Genome position (GRCh38, 1-based): chr7:117,530,898, G>C. VCF-style: chr7-117530898-G-C. GRCh37 (hg19) VCF-style: chr7-117170952-G-C.
Identifiers: ClinVar variation 53554 (VCV000053554.17), dbSNP rs121908792, ClinGen allele CA326906.
Genomic context (GRCh38, chr7:117,530,898, plus strand): 5'-TCTCAGGGTATTTTATGAGAAATAAATGAAATTTAATTTCTCTGTTTTTCCCCTTTTGTA[G>C]GAAGTCACCAAAGCAGTACAGCCTCTCTTACTGGGAAGAATCATAGCTTCCTATGACCCG-3'